The following is an entry in ClinVar:

NM_000166.6(GJB1):c.-16-8_-12del

Gene: GJB1 (gap junction protein beta 1; plus strand). Cytogenetic location: Xq13.1.
Variant type: Deletion.
Coding change: c.-16-8_-12del on transcript NM_000166.6 (MANE Select); 8 bases into the intron before 16 bases upstream of the start codon through 12 bases upstream of the start codon, 13 bases deleted (TTTTGCAGGTGTG).
Molecular consequence: splice acceptor variant.
Genome position (GRCh38, 1-based): chrX:71,223,684-71,223,696, TTTTGCAGGTGTG deleted; deleting any 13 consecutive bases within chrX:71,223,681-71,223,696 gives the same sequence; the c. name uses the placement nearest the transcript's 3' end. VCF-style (leftmost placement, unchanged base first): chrX-71223680-GGTGTTTTGCAGGT-G. GRCh37 (hg19) VCF-style: chrX-70443530-GGTGTTTTGCAGGT-G.
Other names: c.-16-8_-12del (NM_001097642.3).
Identifiers: ClinVar variation 1503563 (VCV001503563.6), dbSNP rs2147944724, ClinGen allele CA2573159490.

ClinVar aggregate classification (germline): Uncertain significance (1 of 4 stars; one submission).

Conditions:
Charcot-Marie-Tooth Neuropathy X. Identifiers: MedGen CN118851.

Submission:

Labcorp Genetics (formerly Invitae), Labcorp
Classification: Uncertain significance for Charcot-Marie-Tooth Neuropathy X. Last evaluated: 2021-07-04. Review status: criteria provided, single submitter. Criteria: Invitae Variant Classification Sherloc (09022015). Collection method: clinical testing. Allele origin: germline.
Comment: This variant is not present in population databases (ExAC no frequency). This sequence change falls in intron 2 of the GJB1 gene. It does not directly change the encoded amino acid sequence of the GJB1 protein. It affects a nucleotide within the consensus splice site of the intron. This variant has not been reported in the literature in individuals affected with GJB1-related conditions. In summary, the available evidence is currently insufficient to determine the role of this variant in disease. Therefore, it has been classified as a Variant of Uncertain Significance. Nucleotide substitutions within the consensus splice site are a relatively common cause of aberrant splicing (PMID: 17576681, 9536098). Algorithms developed to predict the effect of sequence changes on RNA splicing suggest that this variant may disrupt the consensus splice site.

Literature cited by the submitters: PubMed 17576681; PubMed 9536098.